The following is an entry in ClinVar:

ClinVar aggregate classification (germline): Uncertain significance (1 of 4 stars; one submission).

Submission:

Labcorp Genetics (formerly Invitae), Labcorp
Classification: Uncertain significance. Last evaluated: 2019-12-31. Review status: criteria provided, single submitter. Criteria: Invitae Variant Classification Sherloc (09022015). Collection method: clinical testing. Allele origin: germline.
Comment: In summary, the available evidence is currently insufficient to determine the role of this variant in disease. Therefore, it has been classified as a Variant of Uncertain Significance. Algorithms developed to predict the effect of missense changes on protein structure and function (SIFT, PolyPhen-2, Align-GVGD) all suggest that this variant is likely to be tolerated, but these predictions have not been confirmed by published functional studies and their clinical significance is uncertain. This variant has not been reported in the literature in individuals with POLE-related conditions. This variant is not present in population databases (ExAC no frequency). This sequence change replaces glutamic acid with aspartic acid at codon 1969 of the POLE protein (p.Glu1969Asp). The glutamic acid residue is moderately conserved and there is a small physicochemical difference between glutamic acid and aspartic acid.

NM_006231.4(POLE):c.5907A>T (p.Glu1969Asp)

Gene: POLE (DNA polymerase epsilon, catalytic subunit; minus strand). Cytogenetic location: 12q24.33.
Variant type: single nucleotide variant.
Coding change: c.5907A>T on transcript NM_006231.4 (MANE Select); coding-DNA position 5907, A replaced by T.
Protein change: p.Glu1969Asp; replaces glutamic acid 1969 with aspartic acid.
Molecular consequence: missense variant.
Genome position (GRCh38, 1-based): chr12:132,634,283, T>A on the plus strand (A>T on the coding strand, the complement: POLE is on the minus strand). VCF-style: chr12-132634283-T-A. GRCh37 (hg19) VCF-style: chr12-133210869-T-A.
Other names: short protein forms E1969D.
Identifiers: ClinVar variation 839660 (VCV000839660.10), dbSNP rs1060504069, ClinGen allele CA387371619.